The following is an entry in ClinVar:

NM_001170629.2(CHD8):c.4921+4C>T

Gene: CHD8 (chromodomain helicase DNA binding protein 8; minus strand). Cytogenetic location: 14q11.2.
Variant type: single nucleotide variant.
Coding change: c.4921+4C>T on transcript NM_001170629.2 (MANE Select); 4 bases into the intron after coding-DNA position 4921, C replaced by T.
Molecular consequence: intron variant.
Genome position (GRCh38, 1-based): chr14:21,399,598, G>A on the plus strand (C>T on the coding strand, the complement: CHD8 is on the minus strand). VCF-style: chr14-21399598-G-A. GRCh37 (hg19) VCF-style: chr14-21867757-G-A.
Other names: c.4084+4C>T (NM_020920.4).
Identifiers: ClinVar variation 1744129 (VCV001744129.4), dbSNP rs1357098543, ClinGen allele CA612384453.

ClinVar aggregate classification (germline): Uncertain significance. Review status: criteria provided, multiple submitters, no conflicts (2 of 4 stars). 2 submissions from 2 submitters: Uncertain significance (2). Last evaluated 2024-04-17.

Conditions:
Inborn genetic diseases. Identifiers: MedGen C0950123, MeSH D030342.

Allele frequency attached by ClinVar (database versions not stated): TOPMed below 0.00001; gnomAD 0.00001; gnomAD exomes 0.00001.
gnomAD v4.1: 11 of 1,602,766 alleles (0.00069%); highest among the groups gnomAD compares: Non-Finnish European, 0.00085%; no homozygotes.

Submissions (2):

Labcorp Genetics (formerly Invitae), Labcorp
Classification: Uncertain significance. Last evaluated: 2024-04-17. Review status: criteria provided, single submitter. Criteria: Invitae Variant Classification Sherloc (09022015). Collection method: clinical testing. Allele origin: germline.
Comment: This sequence change falls in intron 25 of the CHD8 gene. It does not directly change the encoded amino acid sequence of the CHD8 protein. It affects a nucleotide within the consensus splice site. The frequency data for this variant in the population databases is considered unreliable, as metrics indicate poor data quality at this position in the gnomAD database. This variant has not been reported in the literature in individuals affected with CHD8-related conditions. ClinVar contains an entry for this variant (Variation ID: 1744129). Variants that disrupt the consensus splice site are a relatively common cause of aberrant splicing (PMID: 17576681, 9536098). Algorithms developed to predict the effect of sequence changes on RNA splicing suggest that this variant is not likely to affect RNA splicing. In summary, the available evidence is currently insufficient to determine the role of this variant in disease. Therefore, it has been classified as a Variant of Uncertain Significance.

Ambry Genetics
Classification: Uncertain significance for Inborn genetic diseases. Last evaluated: 2019-11-05. Review status: criteria provided, single submitter. Criteria: Ambry Variant Classification Scheme 2023. Collection method: clinical testing. Allele origin: germline.
Comment: The c.4921+4C>T intronic variant results from a C to T substitution 4 nucleotides after coding exon 25 in the CHD8 gene. This nucleotide position is poorly conserved in available vertebrate species. Using the BDGP and ESEfinder splice site prediction tools, this alteration is not predicted to have any significant effect on this splice donor site; however, direct evidence is unavailable. Since supporting evidence is limited at this time, the clinical significance of this alteration remains unclear.

Literature cited by the submitters: PubMed 17576681 (cited by Labcorp Genetics (formerly Invitae), Labcorp); PubMed 9536098 (cited by Labcorp Genetics (formerly Invitae), Labcorp).